The following is an entry in ClinVar:

NM_004385.5(VCAN):c.1841A>G (p.Asn614Ser)

Gene: VCAN (versican; plus strand). Cytogenetic location: 5q14.3.
Variant type: single nucleotide variant.
Coding change: c.1841A>G on transcript NM_004385.5 (MANE Select); coding-DNA position 1841, A replaced by G.
Protein change: p.Asn614Ser; replaces asparagine 614 with serine.
Molecular consequence: missense variant. On other transcripts: intron variant (2).
Genome position (GRCh38, 1-based): chr5:83,520,147, A>G. VCF-style: chr5-83520147-A-G. GRCh37 (hg19) VCF-style: chr5-82815966-A-G.
Other names: c.1841A>G, p.Asn614Ser (NM_001164098.2); c.1042+7751A>G (NM_001164097.2, NM_001126336.3); c.1841A>G (NM_004385.4); short protein forms N614S.
Identifiers: ClinVar variation 1925666 (VCV001925666.6), dbSNP rs759457950, ClinGen allele CA3332738.

ClinVar aggregate classification (germline): Conflicting classifications of pathogenicity. Review status: criteria provided, conflicting classifications (1 of 4 stars). 2 submissions from 2 submitters: Uncertain significance (1); Likely benign (1). Last evaluated 2023-08-04.

Conditions:
Inborn genetic diseases. Identifiers: MedGen C0950123, MeSH D030342.

Allele frequency attached by ClinVar (database versions not stated): ExAC 0.00001; gnomAD 0.00001; TOPMed 0.00002; gnomAD exomes 0.00003.
gnomAD v4.1: 45 of 1,613,970 alleles (0.0028%); highest among the groups gnomAD compares: Non-Finnish European, 0.0034%; no homozygotes.

Submissions (2):

Labcorp Genetics (formerly Invitae), Labcorp
Classification: Uncertain significance. Last evaluated: 2023-08-04. Review status: criteria provided, single submitter. Criteria: Invitae Variant Classification Sherloc (09022015). Collection method: clinical testing. Allele origin: germline.
Comment: ClinVar contains an entry for this variant (Variation ID: 1925666). Algorithms developed to predict the effect of missense changes on protein structure and function output the following: SIFT: "Not Available"; PolyPhen-2: "Benign"; Align-GVGD: "Not Available". The serine amino acid residue is found in multiple mammalian species, which suggests that this missense change does not adversely affect protein function. In summary, the available evidence is currently insufficient to determine the role of this variant in disease. Therefore, it has been classified as a Variant of Uncertain Significance. This variant has not been reported in the literature in individuals affected with VCAN-related conditions. This sequence change replaces asparagine, which is neutral and polar, with serine, which is neutral and polar, at codon 614 of the VCAN protein (p.Asn614Ser). This variant is present in population databases (rs759457950, gnomAD 0.002%).

Ambry Genetics
Classification: Likely benign for Inborn genetic diseases. Last evaluated: 2023-02-23. Review status: criteria provided, single submitter. Criteria: Ambry Variant Classification Scheme 2023. Collection method: clinical testing. Allele origin: germline.